The following is an entry in ClinVar:

ClinVar aggregate classification (germline): Uncertain significance (1 of 4 stars; one submission).

gnomAD v4.1: 4 of 1,599,652 alleles (0.00025%); highest among the groups gnomAD compares: Admixed American, 0.0051%; no homozygotes.

Submission:

Labcorp Genetics (formerly Invitae), Labcorp
Classification: Uncertain significance. Last evaluated: 2025-10-28. Review status: criteria provided, single submitter. Criteria: Invitae Variant Classification Sherloc (09022015). Collection method: clinical testing. Allele origin: germline.
Comment: This sequence change replaces valine, which is neutral and non-polar, with methionine, which is neutral and non-polar, at codon 25 of the KISS1 protein (p.Val25Met). The frequency data for this variant in the population databases is considered unreliable, as metrics indicate poor data quality at this position in the gnomAD database. This variant has not been reported in the literature in individuals affected with KISS1-related conditions. An algorithm developed to predict the effect of missense changes on protein structure and function outputs the following: PolyPhen-2: "Benign". The methionine amino acid residue is found in multiple mammalian species, which suggests that this missense change does not adversely affect protein function. In summary, the available evidence is currently insufficient to determine the role of this variant in disease. Therefore, it has been classified as a Variant of Uncertain Significance.

NM_002256.4(KISS1):c.73G>A (p.Val25Met)

Gene: KISS1 (KiSS-1 metastasis suppressor; minus strand). Cytogenetic location: 1q32.1.
Variant type: single nucleotide variant.
Coding change: c.73G>A on transcript NM_002256.4 (MANE Select); coding-DNA position 73, G replaced by A.
Protein change: p.Val25Met; replaces valine 25 with methionine.
Molecular consequence: missense variant.
Genome position (GRCh38, 1-based): chr1:204,192,804, C>T on the plus strand (G>A on the coding strand, the complement: KISS1 is on the minus strand). VCF-style: chr1-204192804-C-T. GRCh37 (hg19) VCF-style: chr1-204161932-C-T.
Other names: short protein forms V25M.
Identifiers: ClinVar variation 4697478 (VCV004697478.1).